The following is an entry in ClinVar:

NM_016604.4(KDM3B):c.5022G>A (p.Val1674=)

Gene: KDM3B (lysine demethylase 3B; plus strand). Cytogenetic location: 5q31.2.
Variant type: single nucleotide variant.
Coding change: c.5022G>A on transcript NM_016604.4 (MANE Select); coding-DNA position 5022, G replaced by A.
Protein change: p.Val1674=; no amino-acid change (valine 1674 retained).
Molecular consequence: synonymous variant.
Genome position (GRCh38, 1-based): chr5:138,430,377, G>A. VCF-style: chr5-138430377-G-A. GRCh37 (hg19) VCF-style: chr5-137766066-G-A.
Identifiers: ClinVar variation 3055794 (VCV003055794.2), dbSNP rs61749634, ClinGen allele CA3429578.

ClinVar aggregate classification (germline): Benign (0 of 4 stars; one submission).

Conditions:
KDM3B-related disorder. Also called: KDM3B-related condition.

Allele frequency attached by ClinVar (database versions not stated): gnomAD exomes 0.03549; TOPMed 0.04003; ESP Exome Variant Server 0.04006; gnomAD 0.04078; ExAC 0.04340; 1000 Genomes Project 30x 0.05700.
gnomAD v4.1: 58,275 of 1,614,030 alleles (3.6%); highest among the groups gnomAD compares: South Asian, 10%; 1,525 homozygotes.

Submission:

PreventionGenetics, part of Exact Sciences
Classification: Benign for KDM3B-related condition. Last evaluated: 2020-09-15. Review status: no assertion criteria provided. Collection method: clinical testing. Allele origin: germline.
Comment: This variant is classified as benign based on ACMG/AMP sequence variant interpretation guidelines (Richards et al. 2015 PMID: 25741868, with internal and published modifications).